The following is an entry in ClinVar:

ClinVar aggregate classification (germline): Pathogenic. Review status: criteria provided, multiple submitters, no conflicts (2 of 4 stars). 3 submissions from 3 submitters: Pathogenic (3). Last evaluated 2021-07-15.

Conditions:
Cardiovascular phenotype. Identifiers: MedGen CN230736.
Fabry disease. Also called: ALPHA-GALACTOSIDASE A DEFICIENCY; ANDERSON-FABRY DISEASE; CERAMIDE TRIHEXOSIDASE DEFICIENCY; GLA DEFICIENCY; Fabry's disease; Angiokeratoma corporis diffusum. Identifiers: Orphanet 324, MedGen C0002986, MONDO:0010526, OMIM 301500, HP:0001071. Disease mechanism: loss of function, Fabry disease is due to inactivating mutations in the X-linked GLA gene resulting in deficiency of the enzyme Alpha Galactosidase-A..

Submissions (3):

Genome-Nilou Lab
Classification: Pathogenic for Fabry disease. Last evaluated: 2021-07-15. Review status: criteria provided, single submitter. Criteria: ACMG Guidelines, 2015. Collection method: clinical testing. Allele origin: germline. Affected: no.

Eurofins Ntd Llc (ga)
Classification: Pathogenic. Last evaluated: 2016-02-03. Review status: criteria provided, single submitter. Criteria: EGL Classification Definitions. Collection method: clinical testing. Allele origin: germline.

Ambry Genetics
Classification: Pathogenic for Cardiovascular phenotype. Last evaluated: 2015-09-29. Review status: criteria provided, single submitter. Criteria: Ambry Variant Classification Scheme 2023. Collection method: clinical testing. Allele origin: germline.
Comment: The c.295dupC pathogenic mutation, located in coding exon 2 of the GLA gene, results from a duplication of C at nucleotide position 295, causing a translational frameshift with a predicted alternate stop codon (p.Q99Pfs*24). Since frameshifts are typically deleterious in nature, this alteration is interpreted as a disease-causing mutation (ACMG Recommendations for Standards for Interpretation and Reporting of Sequence Variations. Revision 2007. Genet Med. 2008;10:294).

NM_000169.3(GLA):c.295dup (p.Gln99fs)

Genes: GLA (galactosidase alpha; minus strand), RPL36A-HNRNPH2 (RPL36A-HNRNPH2 readthrough; plus strand). Cytogenetic location: Xq22.1.
Variant type: Duplication.
Coding change: c.295dup on transcript NM_000169.3 (MANE Select); coding-DNA position 295, one base duplicated (C; older notation c.295dupC).
Protein change: p.Gln99fs; shifts the reading frame from glutamine 99.
Molecular consequence: frameshift variant. On other transcripts: non-coding transcript variant (3), intron variant (2).
Genome position (GRCh38, 1-based): chrX:101,403,885, G duplicated on the plus strand (C on the coding strand, the reverse complement: GLA is on the minus strand); the first of 4 consecutive G bases (chrX:101,403,885-101,403,888); duplicating any one gives the same sequence. VCF-style (leftmost placement, unchanged base first): chrX-101403884-T-TG. GRCh37 (hg19) VCF-style: chrX-100658872-T-TG.
Other names: c.295dupC (NM_000169.2); c.418dup, p.Gln140fs (NM_001406747.1, NM_001406749.1); c.295dup, p.Gln99fs (NM_001406748.1); c.301-8048dup (NM_001199973.2); c.178-8048dup (NM_001199974.2); short protein forms Q99fs, Q140fs.
Identifiers: ClinVar variation 264377 (VCV000264377.12), dbSNP rs886039136, ClinGen allele CA10587959.